The following is an entry in ClinVar:

ClinVar aggregate classification (germline): Conflicting classifications of pathogenicity. Review status: criteria provided, conflicting classifications (1 of 4 stars). 7 submissions from 7 submitters: Uncertain significance (2); Benign (2); Likely benign (2). 1 of the submissions does not count toward it. Last evaluated 2026-06-01.

Conditions:
TSC2-related disorder. Also called: TSC2-Related Disorders; TSC2-related condition.
Tuberous sclerosis 2 (TSC2). Identifiers: Orphanet 805, MedGen C1860707, MONDO:0013199, OMIM 613254.
Hereditary cancer-predisposing syndrome. Also called: Neoplastic Syndromes, Hereditary; Hereditary Cancer Syndrome; Tumor predisposition; Hereditary neoplastic syndrome. Identifiers: Orphanet 140162, MedGen C0027672, MeSH D009386, MONDO:0015356.
Tuberous sclerosis syndrome (TSC). Also called: Tuberous Sclerosis Complex; Tuberous sclerosis. Identifiers: Orphanet 805, MedGen C0041341, MONDO:0001734.

Allele frequency attached by ClinVar (database versions not stated): gnomAD exomes 0.00002 and 0.00009; TOPMed 0.00023; gnomAD 0.00033 and 0.00034.
gnomAD v4.1: 79 of 1,612,946 alleles (0.0049%); highest among the groups gnomAD compares: Admixed American, 0.12%; 1 homozygote.

Submissions (7):

CeGaT Center for Human Genetics Tuebingen
Classification: Likely benign. Last evaluated: 2026-06-01. Review status: criteria provided, single submitter. Criteria: CeGaT Center For Human Genetics Tuebingen Variant Classification Criteria Version 2. Collection method: clinical testing. Allele origin: germline. Affected: yes. Observed: 1 variant allele.
Comment: TSC2: BS1

Labcorp Genetics (formerly Invitae), Labcorp
Classification: Benign for Tuberous sclerosis 2. Last evaluated: 2026-01-28. Review status: criteria provided, single submitter. Criteria: Invitae Variant Classification Sherloc (09022015). Collection method: clinical testing. Allele origin: germline.

Color Diagnostics, LLC DBA Color Health
Classification: Likely benign for Tuberous sclerosis syndrome. Last evaluated: 2023-01-10. Review status: criteria provided, single submitter. Criteria: ACMG Guidelines, 2015. Collection method: clinical testing. Allele origin: germline.

Genome-Nilou Lab
Classification: Uncertain significance for Tuberous sclerosis 2. Last evaluated: 2021-11-07. Review status: criteria provided, single submitter. Criteria: ACMG Guidelines, 2015. Collection method: clinical testing. Allele origin: germline. Affected: no.

Ambry Genetics
Classification: Benign for Hereditary cancer-predisposing syndrome. Last evaluated: 2021-09-28. Review status: criteria provided, single submitter. Criteria: Ambry Variant Classification Scheme 2023. Collection method: clinical testing. Allele origin: germline.

Baylor Genetics
Classification: Uncertain significance for Tuberous sclerosis 2. Last evaluated: 2019-03-27. Review status: criteria provided, single submitter. Criteria: ACMG Guidelines, 2015. Collection method: clinical testing. Allele origin: maternal. Affected: yes. Study: CSER-TexasKidsCanSeq.
Comment: This variant was determined to be of uncertain significance according to ACMG Guidelines, 2015 [PMID:25741868].

PreventionGenetics, part of Exact Sciences
Classification: Likely benign for TSC2-related condition. Last evaluated: 2024-08-13. Review status: no assertion criteria provided. Collection method: clinical testing. Allele origin: germline. Not counted in ClinVar's aggregate classification.
Comment: This variant is classified as likely benign based on ACMG/AMP sequence variant interpretation guidelines (Richards et al. 2015 PMID: 25741868, with internal and published modifications).

NM_000548.5(TSC2):c.5204T>C (p.Ile1735Thr)

Gene: TSC2 (TSC complex subunit 2; plus strand). Cytogenetic location: 16p13.3.
Variant type: single nucleotide variant.
Coding change: c.5204T>C on transcript NM_000548.5 (MANE Select); coding-DNA position 5204, T replaced by C.
Protein change: p.Ile1735Thr; replaces isoleucine 1735 with threonine.
Molecular consequence: missense variant.
Genome position (GRCh38, 1-based): chr16:2,088,270, T>C. VCF-style: chr16-2088270-T-C. GRCh37 (hg19) VCF-style: chr16-2138271-T-C.
Other names: c.5003T>C, p.Ile1668Thr (NM_001077183.3); c.5135T>C, p.Ile1712Thr (NM_001114382.3); c.4895T>C, p.Ile1632Thr (NM_001318827.2); c.4859T>C, p.Ile1620Thr (NM_001318829.2); c.4472T>C, p.Ile1491Thr (NM_001318831.2); c.5036T>C, p.Ile1679Thr (NM_001318832.2); c.5006T>C, p.Ile1669Thr (NM_001363528.2); c.5072T>C, p.Ile1691Thr (NM_001370404.1); and 2 more; short protein forms I1491T, I1668T, I1735T, I1620T, I1669T, I1691T, I1712T, I1632T.
Identifiers: ClinVar variation 661952 (VCV000661952.21), dbSNP rs786203769, ClinGen allele CA276759442.
Genomic context (GRCh38, chr16:2,088,270, plus strand): 5'-CCTGCCTACGTCCCCAGATGGCCTCACAGGTGCATCATAGCCGCTCCAACCCCACCGATA[T>C]CTACCCCTCCAAGTGGATTGCCCGGCTCCGCCACATCAAGCGGCTCCGCCAGCGGGTAGG-3'
Protein context (NP_000539.2, residues 1725-1745): VHHSRSNPTD[Ile1735Thr]YPSKWIARLR